The following is an entry in ClinVar:

ClinVar aggregate classification (germline): Benign. Review status: criteria provided, multiple submitters, no conflicts (2 of 4 stars). 4 submissions from 4 submitters: Benign (4). Last evaluated 2026-02-03.

Conditions:
RFT1-congenital disorder of glycosylation (CDG1N). Also called: CDG In; Congenital disorder of glycosylation type In; RFT1-CDG. Identifiers: Orphanet 244310, MedGen C2677590, MONDO:0012783, OMIM 612015.

Allele frequency attached by ClinVar (database versions not stated): gnomAD exomes 0.00541 and 0.01358; ExAC 0.01880; ESP Exome Variant Server 0.05428; gnomAD 0.05518 and 0.05900; 1000 Genomes Project 0.06170; TOPMed 0.06309; 1000 Genomes Project 30x 0.06808.

Submissions (4):

Labcorp Genetics (formerly Invitae), Labcorp
Classification: Benign for RFT1-congenital disorder of glycosylation. Last evaluated: 2026-02-03. Review status: criteria provided, single submitter. Criteria: Invitae Variant Classification Sherloc (09022015). Collection method: clinical testing. Allele origin: germline.

Mayo Clinic Laboratories, Mayo Clinic
Classification: Benign. Last evaluated: 2022-03-10. Review status: criteria provided, single submitter. Criteria: ACMG Guidelines, 2015. Collection method: clinical testing. Allele origin: germline. Observed: 2 variant alleles.

GeneDx
Classification: Benign. Last evaluated: 2016-02-08. Review status: criteria provided, single submitter. Criteria: GeneDx Variant Classification (06012015). Collection method: clinical testing. Allele origin: germline. Affected: yes.
Comment: This variant is considered likely benign or benign based on one or more of the following criteria: it is a conservative change, it occurs at a poorly conserved position in the protein, it is predicted to be benign by multiple in silico algorithms, and/or has population frequency not consistent with disease.

Breakthrough Genomics
Classification: Benign. Review status: criteria provided, single submitter. Criteria: ACMG Guidelines, 2015. Collection method: not provided. Allele origin: germline. Inheritance: Autosomal recessive inheritance. Affected: yes.

NM_052859.4(RFT1):c.267-20A>T

Gene: RFT1 (RFT1 glycolipid translocator homolog; minus strand). Cytogenetic location: 3p21.1.
Variant type: single nucleotide variant.
Coding change: c.267-20A>T on transcript NM_052859.4 (MANE Select); 20 bases into the intron before coding-DNA position 267, A replaced by T.
Molecular consequence: intron variant.
Genome position (GRCh38, 1-based): chr3:53,122,583, T>A on the plus strand (A>T on the coding strand, the complement: RFT1 is on the minus strand). VCF-style: chr3-53122583-T-A. GRCh37 (hg19) VCF-style: chr3-53156599-T-A.
Other names: p.?.
Identifiers: ClinVar variation 380099 (VCV000380099.10), dbSNP rs73840213, ClinGen allele CA2451496.
Genomic context (GRCh38, chr3:53,122,583, plus strand): 5'-TCCAGCCCAGGAATAAGGACCAAAACACACCCAGGGGGACTCTAGAAGAGGAGAAAAAAA[T>A]AATTCACTAAATTTTAAAATAAATATAAATATATATTAAAATAGTAACACTGAACAGAAA-3'